The following is an entry in ClinVar:

NM_001303052.2(MYT1L):c.2318T>C (p.Leu773Pro)

Gene: MYT1L (myelin transcription factor 1 like; minus strand). Cytogenetic location: 2p25.3.
Variant type: single nucleotide variant.
Coding change: c.2318T>C on transcript NM_001303052.2 (MANE Select); coding-DNA position 2318, T replaced by C.
Protein change: p.Leu773Pro; replaces leucine 773 with proline.
Molecular consequence: missense variant.
Genome position (GRCh38, 1-based): chr2:1,889,443, A>G on the plus strand (T>C on the coding strand, the complement: MYT1L is on the minus strand). VCF-style: chr2-1889443-A-G. GRCh37 (hg19) VCF-style: chr2-1893215-A-G.
Other names: c.2318T>C, p.Leu773Pro (NM_001329844.2, NM_001329845.1, NM_001329851.3); c.2312T>C, p.Leu771Pro (NM_001329846.3, NM_001329847.2, NM_001329848.1 and 3 more transcripts); short protein forms L771P, L773P.
Identifiers: ClinVar variation 3369677 (VCV003369677.1).

ClinVar aggregate classification (germline): Uncertain significance (1 of 4 stars; one submission).

Submission:

GeneDx
Classification: Uncertain significance. Last evaluated: 2024-02-22. Review status: criteria provided, single submitter. Criteria: GeneDx Variant Classification Process June 2021. Collection method: clinical testing. Allele origin: germline. Affected: yes.
Comment: Not observed at significant frequency in large population cohorts (gnomAD); In silico analysis supports that this missense variant has a deleterious effect on protein structure/function; Has not been previously published as pathogenic or benign to our knowledge